The following is an entry in ClinVar:

NM_001376.5(DYNC1H1):c.8568G>T (p.Lys2856Asn)

Gene: DYNC1H1 (dynein cytoplasmic 1 heavy chain 1; plus strand). Cytogenetic location: 14q32.31.
Variant type: single nucleotide variant.
Coding change: c.8568G>T on transcript NM_001376.5 (MANE Select); coding-DNA position 8568, G replaced by T.
Protein change: p.Lys2856Asn; replaces lysine 2856 with asparagine.
Molecular consequence: missense variant.
Genome position (GRCh38, 1-based): chr14:102,022,811, G>T. VCF-style: chr14-102022811-G-T. GRCh37 (hg19) VCF-style: chr14-102489148-G-T.
Other names: short protein forms K2856N.
Identifiers: ClinVar variation 2230889 (VCV002230889.3), dbSNP rs2048401582, ClinGen allele CA391007125.

ClinVar aggregate classification (germline): Uncertain significance. Review status: criteria provided, multiple submitters, no conflicts (2 of 4 stars). 2 submissions from 2 submitters: Uncertain significance (2). Last evaluated 2025-08-11.

Conditions:
Inborn genetic diseases. Identifiers: MedGen C0950123, MeSH D030342.

Allele frequency attached by ClinVar (database versions not stated): gnomAD 0.00001.
gnomAD v4.1: 1 of 1,614,088 alleles (0.000062%); highest among the groups gnomAD compares: Admixed American, 0.0017%; no homozygotes.

Submissions (2):

GeneDx
Classification: Uncertain significance. Last evaluated: 2025-08-11. Review status: criteria provided, single submitter. Criteria: GeneDx Variant Classification Process June 2021. Collection method: clinical testing. Allele origin: germline. Affected: yes.
Comment: Not observed at significant frequency in large population cohorts (gnomAD); In silico analysis supports that this missense variant has a deleterious effect on protein structure/function; Has not been previously published as pathogenic or benign to our knowledge; This variant is associated with the following publications: (PMID: 25512093, 25609763, 26100331)

Ambry Genetics
Classification: Uncertain significance for Inborn genetic diseases. Last evaluated: 2021-05-13. Review status: criteria provided, single submitter. Criteria: Ambry Variant Classification Scheme 2023. Collection method: clinical testing. Allele origin: germline.
Comment: The c.8568G>T (p.K2856N) alteration is located in exon 43 (coding exon 43) of the DYNC1H1 gene. This alteration results from a G to T substitution at nucleotide position 8568, causing the lysine (K) at amino acid position 2856 to be replaced by an asparagine (N). Based on data from the Genome Aggregation Database (gnomAD), the DYNC1H1 c.8568G>T alteration was not observed, with coverage at this position. This amino acid position is highly conserved in available vertebrate species. This missense alteration is located in a region that has a low rate of benign missense variation (Lek, 2016; Firth, 2009). The p.K2856N alteration is predicted to be tolerated by in silico analysis. Based on insufficient or conflicting evidence, the clinical significance of this alteration remains unclear.